The following is an entry in ClinVar:

ClinVar aggregate classification (germline): Conflicting classifications of pathogenicity. Review status: criteria provided, conflicting classifications (1 of 4 stars). 6 submissions from 6 submitters: Pathogenic (1); Likely pathogenic (3); Uncertain significance (2). Last evaluated 2025-12-28.

Conditions:
Hereditary cancer-predisposing syndrome. Also called: Hereditary Cancer Syndrome; Hereditary neoplastic syndrome; Tumor predisposition; Neoplastic Syndromes, Hereditary. Identifiers: Orphanet 140162, MedGen C0027672, MeSH D009386, MONDO:0015356.
Endometrial carcinoma. Also called: Endometrial carcinoma, somatic. Identifiers: MedGen C0476089, MONDO:0002447, OMIM 608089, HP:0012114.
Lynch syndrome 5 (LYNCH5). Also called: Colorectal cancer, hereditary nonpolyposis, type 5; Hereditary non-polyposis colorectal cancer, type 5. Identifiers: Orphanet 144, MedGen C1833477, MONDO:0013710, OMIM 614350. Disease mechanism: loss of function.
Hereditary nonpolyposis colorectal neoplasms. Identifiers: MedGen C0009405, MeSH D003123.

Submissions (6):

Labcorp Genetics (formerly Invitae), Labcorp
Classification: Pathogenic for Hereditary nonpolyposis colorectal neoplasms. Last evaluated: 2025-12-28. Review status: criteria provided, single submitter. Criteria: Invitae Variant Classification Sherloc (09022015). Collection method: clinical testing. Allele origin: germline.
Comment: This sequence change replaces alanine, which is neutral and non-polar, with aspartic acid, which is acidic and polar, at codon 1162 of the MSH6 protein (p.Ala1162Asp). This variant is not present in population databases (gnomAD no frequency). This missense change has been observed in individuals with Lynch syndrome (internal data). ClinVar contains an entry for this variant (Variation ID: 127587). Invitae Evidence Modeling incorporating data from in vitro experimental studies (internal data) indicates that this missense variant is expected to disrupt MSH6 function with a positive predictive value of 95%. For these reasons, this variant has been classified as Pathogenic.

Ambry Genetics
Classification: Likely pathogenic for Hereditary cancer-predisposing syndrome. Last evaluated: 2025-09-11. Review status: criteria provided, single submitter. Criteria: Ambry Variant Classification Scheme 2023. Collection method: clinical testing. Allele origin: germline.
Comment: The p.A1162D variant (also known as c.3485C>A), located in coding exon 6 of the MSH6 gene, results from a C to A substitution at nucleotide position 3485. The alanine at codon 1162 is replaced by aspartic acid, an amino acid with dissimilar properties. This alteration has been observed in multiple individuals who have a personal and/or family history that is consistent with MSH6-associated disease and whose Lynch syndrome-associated tumors showed loss of MSH6 staining by immunohistochemistry (IHC) (Ambry internal data; Levine MD et al. JCO Precis Oncol, 2021 Nov;5:1588-1602). This variant is considered to be rare based on population cohorts in the Genome Aggregation Database (gnomAD). This amino acid position is highly conserved in available vertebrate species. In addition, this alteration is predicted to be deleterious by in silico analysis. Based on the majority of available evidence to date, this variant is likely to be pathogenic.

Myriad Genetics, Inc.
Classification: Likely pathogenic for Lynch syndrome 5. Last evaluated: 2023-08-24. Review status: criteria provided, single submitter. Criteria: Myriad Autosomal Dominant, Autosomal Recessive and X-Linked Classification Criteria (2023). Collection method: clinical testing. Allele origin: unknown.
Comment: This variant is considered likely pathogenic. This variant is expected to disrupt protein structure [Myriad internal data]. This variant is strongly associated with more severe personal and family histories of cancer, typical for individuals with pathogenic variants in this gene [PMID: 27363726].

Quest Diagnostics Nichols Institute San Juan Capistrano
Classification: Uncertain significance. Last evaluated: 2023-08-01. Review status: criteria provided, single submitter. Criteria: Quest Diagnostics criteria. Collection method: clinical testing. Allele origin: unknown.
Comment: In a large-scale breast cancer association study, the variant was observed in individuals with breast cancer (PMID: 33471991 (2021), see also LOVD). This variant has not been reported in large, multi-ethnic general populations (Genome Aggregation Database). Analysis of this variant using bioinformatics tools for the prediction of the effect of amino acid changes on protein structure and function yielded predictions that this variant is damaging. Based on the available information, we are unable to determine the clinical significance of this variant.

GeneDx
Classification: Likely pathogenic. Last evaluated: 2022-04-27. Review status: criteria provided, single submitter. Criteria: GeneDx Variant Classification Process June 2021. Collection method: clinical testing. Allele origin: germline. Affected: yes.
Comment: Not observed at significant frequency in large population cohorts (gnomAD); In silico analysis, which includes protein predictors and evolutionary conservation, supports a deleterious effect; This variant is associated with the following publications: (PMID: 17531815, 21120944, 34994648)

Department of Pathology and Laboratory Medicine, Sinai Health System
Classification: Uncertain significance for Endometrial carcinoma; Lynch syndrome 5. Last evaluated: 2020-09-01. Review status: criteria provided, single submitter. Criteria: ACMG Guidelines, 2015. Collection method: clinical testing. Allele origin: germline. Affected: yes.

Literature cited by the submitters: PubMed 33471991 (cited by Ambry Genetics and Quest Diagnostics Nichols Institute San Juan Capistrano); PubMed 34994648 (cited by Ambry Genetics); PubMed 27363726 (cited by Myriad Genetics, Inc.).

NM_000179.3(MSH6):c.3485C>A (p.Ala1162Asp)

Gene: MSH6 (mutS homolog 6; plus strand). Cytogenetic location: 2p16.3.
Variant type: single nucleotide variant.
Coding change: c.3485C>A on transcript NM_000179.3 (MANE Select); coding-DNA position 3485, C replaced by A.
Protein change: p.Ala1162Asp; replaces alanine 1162 with aspartic acid.
Molecular consequence: missense variant.
Genome position (GRCh38, 1-based): chr2:47,804,956, C>A. VCF-style: chr2-47804956-C-A. GRCh37 (hg19) VCF-style: chr2-48032095-C-A.
Other names: p.A1162D:GCT>GAT; c.3095C>A, p.Ala1032Asp (NM_001281492.2); c.2579C>A, p.Ala860Asp (NM_001281493.2, NM_001281494.2); short protein forms A1162D, A1032D, A860D.
Identifiers: ClinVar variation 127587 (VCV000127587.21), dbSNP rs587779935, ClinGen allele CA013090.